The following is an entry in ClinVar:

NM_016816.4(OAS1):c.354G>C (p.Lys118Asn)

Gene: OAS1 (2'-5'-oligoadenylate synthetase 1; plus strand). Cytogenetic location: 12q24.13.
Variant type: single nucleotide variant.
Coding change: c.354G>C on transcript NM_016816.4 (MANE Select); coding-DNA position 354, G replaced by C.
Protein change: p.Lys118Asn; replaces lysine 118 with asparagine.
Molecular consequence: missense variant. On other transcripts: non-coding transcript variant (9), intron variant (4).
Genome position (GRCh38, 1-based): chr12:112,908,709, G>C. VCF-style: chr12-112908709-G-C. GRCh37 (hg19) VCF-style: chr12-113346514-G-C.
Other names: c.354G>C, p.Lys118Asn (NM_001032409.3, NM_001320151.2, NM_001406020.1 and 6 more transcripts); c.180+1490G>C (NM_001406030.1, NM_001406029.1, NM_001406027.1 and 1 more transcripts); short protein forms K118N.
Identifiers: ClinVar variation 4778769 (VCV004778769.1).
Genomic context (GRCh38, chr12:112,908,709, plus strand): 5'-CATCCAGGAAATTAGGAGACAGCTGGAAGCCTGTCAAAGAGAGAGAGCATTTTCCGTGAA[G>C]TTTGAGGTCCAGGCTCCACGCTGGGGCAACCCCCGTGCGCTCAGCTTCGTACTGAGTTCG-3'
Protein context (NP_058132.2, residues 108-128): ACQRERAFSV[Lys118Asn]FEVQAPRWGN

ClinVar aggregate classification (germline): Uncertain significance (1 of 4 stars; one submission).

gnomAD v4.1: 6 of 1,614,230 alleles (0.00037%); highest among the groups gnomAD compares: Admixed American, 0.01%; no homozygotes.

Submission:

Labcorp Genetics (formerly Invitae), Labcorp
Classification: Uncertain significance. Last evaluated: 2025-08-14. Review status: criteria provided, single submitter. Criteria: Invitae Variant Classification Sherloc (09022015). Collection method: clinical testing. Allele origin: germline.
Comment: This sequence change replaces lysine, which is basic and polar, with asparagine, which is neutral and polar, at codon 118 of the OAS1 protein (p.Lys118Asn). This variant is not present in population databases (gnomAD no frequency). This variant has not been reported in the literature in individuals affected with OAS1-related conditions. An algorithm developed to predict the effect of missense changes on protein structure and function (PolyPhen-2) suggests that this variant is likely to be tolerated. In summary, the available evidence is currently insufficient to determine the role of this variant in disease. Therefore, it has been classified as a Variant of Uncertain Significance.